The following is an entry in ClinVar:

NM_198578.4(LRRK2):c.1730T>C (p.Leu577Ser)

Gene: LRRK2 (leucine rich repeat kinase 2; plus strand). Cytogenetic location: 12q12.
Variant type: single nucleotide variant.
Coding change: c.1730T>C on transcript NM_198578.4 (MANE Select); coding-DNA position 1730, T replaced by C.
Protein change: p.Leu577Ser; replaces leucine 577 with serine.
Molecular consequence: missense variant.
Genome position (GRCh38, 1-based): chr12:40,274,656, T>C. VCF-style: chr12-40274656-T-C. GRCh37 (hg19) VCF-style: chr12-40668458-T-C.
Other names: short protein forms L577S.
Identifiers: ClinVar variation 2453021 (VCV002453021.2), dbSNP rs2499623093, ClinGen allele CA384403041.

ClinVar aggregate classification (germline): Uncertain significance (1 of 4 stars; one submission).

Conditions:
Inborn genetic diseases. Identifiers: MedGen C0950123, MeSH D030342.

Allele frequency attached by ClinVar (database versions not stated): gnomAD exomes below 0.00001.
gnomAD v4.1: 1 of 1,613,980 alleles (0.000062%); highest among the groups gnomAD compares: Non-Finnish European, 0.000085%; no homozygotes.

Submission:

Ambry Genetics
Classification: Uncertain significance for Inborn genetic diseases. Last evaluated: 2022-11-19. Review status: criteria provided, single submitter. Criteria: Ambry Variant Classification Scheme 2023. Collection method: clinical testing. Allele origin: germline.
Comment: The p.L577S variant (also known as c.1730T>C), located in coding exon 15 of the LRRK2 gene, results from a T to C substitution at nucleotide position 1730. The leucine at codon 577 is replaced by serine, an amino acid with dissimilar properties. This amino acid position is conserved. In addition, the in silico prediction for this alteration is inconclusive. Since supporting evidence is limited at this time, the clinical significance of this alteration remains unclear.